The following is an entry in ClinVar:

NM_001852.4(COL9A2):c.443_471+25del

Gene: COL9A2 (collagen type IX alpha 2 chain; minus strand). Cytogenetic location: 1p34.2.
Variant type: Deletion.
Coding change: c.443_471+25del on transcript NM_001852.4 (MANE Select); coding-DNA position 443 through 25 bases into the intron after coding-DNA position 471, 54 bases deleted.
Molecular consequence: splice donor variant.
Genome position (GRCh38, 1-based): chr1:40,311,637-40,311,690, 54 bases deleted. GRCh37 (hg19): chr1:40,777,312-40,777,365.
Identifiers: ClinVar variation 5040366 (VCV005040366.1).

ClinVar aggregate classification (germline): Likely pathogenic (1 of 4 stars; one submission).

Submission:

CeGaT Center for Human Genetics Tuebingen
Classification: Likely pathogenic. Last evaluated: 2026-08-01. Review status: criteria provided, single submitter. Criteria: CeGaT Center For Human Genetics Tuebingen Variant Classification Criteria Version 2. Collection method: clinical testing. Allele origin: germline. Affected: yes. Observed: 1 variant allele.
Comment: COL9A2: PVS1:Strong, PM2